The following is an entry in ClinVar:

NM_001369.3(DNAH5):c.4266_4267insTCTTATACACATCC (p.Ile1423fs)

Genes: DNAH5-AS1 (DNAH5 antisense RNA 1; plus strand), DNAH5 (dynein axonemal heavy chain 5; minus strand). Cytogenetic location: 5p15.2.
Variant type: Insertion.
Coding change: c.4266_4267insTCTTATACACATCC on transcript NM_001369.3 (MANE Select); coding-DNA positions 4266 to 4267, TCTTATACACATCC inserted.
Protein change: p.Ile1423fs; shifts the reading frame from isoleucine 1423.
Molecular consequence: frameshift variant.
Genome position: GRCh38 VCF-style: chr5-13865756-T-TGGATGTGTATAAGA. GRCh37 (hg19) VCF-style: chr5-13865865-T-TGGATGTGTATAAGA.
Other names: short protein forms I1423fs.
Identifiers: ClinVar variation 5011161 (VCV005011161.1).

ClinVar aggregate classification (germline): Pathogenic (1 of 4 stars; one submission).

Conditions:
Primary ciliary dyskinesia 3. Identifiers: Orphanet 244, MedGen C1837618, MONDO:0012085, OMIM 608644.

Submission:

Myriad Genetics, Inc.
Classification: Pathogenic for Primary ciliary dyskinesia 3. Last evaluated: 2024-05-14. Review status: criteria provided, single submitter. Criteria: Myriad Autosomal Dominant, Autosomal Recessive and X-Linked Classification Criteria (2023). Collection method: clinical testing. Allele origin: unknown.
Comment: NM_001369.2(DNAH5):c.4266_4267ins14(I1423Sfs*6) is expected to be pathogenic in the context of primary ciliary dyskinesia, DNAH5-related. This variant is predicted to lead to an abnormal or absent protein product due to the creation of a premature termination codon in DNAH5, a gene where loss-of-function variants are known to be pathogenic. Please note: this variant was assessed in the context of healthy population screening.